The following is an entry in ClinVar:

ClinVar aggregate classification (germline): Likely benign (0 of 4 stars; one submission).

Conditions:
CRB2-related disorder. Also called: CRB2-related disorders; CRB2-related condition.

Allele frequency attached by ClinVar (database versions not stated): gnomAD 0.00003; ExAC 0.00004; TOPMed 0.00004.
gnomAD v4.1: 33 of 1,603,030 alleles (0.0021%); highest among the groups gnomAD compares: Middle Eastern, 0.017%; no homozygotes.

Submission:

PreventionGenetics, part of Exact Sciences
Classification: Likely benign for CRB2-related condition. Last evaluated: 2021-11-23. Review status: no assertion criteria provided. Collection method: clinical testing. Allele origin: germline.
Comment: This variant is classified as likely benign based on ACMG/AMP sequence variant interpretation guidelines (Richards et al. 2015 PMID: 25741868, with internal and published modifications).

NM_173689.7(CRB2):c.3612C>T (p.Ser1204=)

Gene: CRB2 (crumbs cell polarity complex component 2; plus strand). Cytogenetic location: 9q33.3.
Variant type: single nucleotide variant.
Coding change: c.3612C>T on transcript NM_173689.7 (MANE Select); coding-DNA position 3612, C replaced by T.
Protein change: p.Ser1204=; no amino-acid change (serine 1204 retained).
Molecular consequence: synonymous variant. On other transcripts: non-coding transcript variant (1).
Genome position (GRCh38, 1-based): chr9:123,375,322, C>T. VCF-style: chr9-123375322-C-T. GRCh37 (hg19) VCF-style: chr9-126137601-C-T.
Identifiers: ClinVar variation 3036531 (VCV003036531.2), dbSNP rs771852963, ClinGen allele CA5232544.